The following is an entry in ClinVar:

NM_014875.3(KIF14):c.987C>T (p.Ser329=)

Gene: KIF14 (kinesin family member 14; minus strand). Cytogenetic location: 1q32.1.
Variant type: single nucleotide variant.
Coding change: c.987C>T on transcript NM_014875.3 (MANE Select); coding-DNA position 987, C replaced by T.
Protein change: p.Ser329=; no amino-acid change (serine 329 retained).
Molecular consequence: synonymous variant. On other transcripts: 5 prime UTR variant (1).
Genome position (GRCh38, 1-based): chr1:200,617,737, G>A on the plus strand (C>T on the coding strand, the complement: KIF14 is on the minus strand). VCF-style: chr1-200617737-G-A. GRCh37 (hg19) VCF-style: chr1-200586865-G-A.
Other names: c.-399C>T (NM_001305792.1).
Identifiers: ClinVar variation 709582 (VCV000709582.21), dbSNP rs79080263, ClinGen allele CA1317930.
Genomic context (GRCh38, chr1:200,617,737, plus strand): 5'-TTTTCCTGCAGAGGTGTTCTGAACTACAGTTTCTTCTTCGGGAAGAATTGTATTTTCTGC[G>A]GATCTTTCCTGTTTATTTGCAAGAAAGGAACTTTTTGGTCTTTGTTTAACTTGAAGGTTA-3'
Protein context (NP_055690.1, residues 319-339): SSFLANKQER[Ser329=]AENTILPEEE

ClinVar aggregate classification (germline): Benign/Likely benign. Review status: criteria provided, multiple submitters, no conflicts (2 of 4 stars). 3 submissions from 3 submitters: Benign (1); Likely benign (2). Last evaluated 2026-01-28.

Allele frequency attached by ClinVar (database versions not stated): gnomAD exomes 0.00037 and 0.00102; ExAC 0.00131; gnomAD 0.00287 and 0.00309; 1000 Genomes Project 30x 0.00312; 1000 Genomes Project 0.00319; TOPMed 0.00340; ESP Exome Variant Server 0.00346.

Submissions (3):

Labcorp Genetics (formerly Invitae), Labcorp
Classification: Benign. Last evaluated: 2026-01-28. Review status: criteria provided, single submitter. Criteria: Invitae Variant Classification Sherloc (09022015). Collection method: clinical testing. Allele origin: germline.

CeGaT Center for Human Genetics Tuebingen
Classification: Likely benign. Last evaluated: 2025-05-01. Review status: criteria provided, single submitter. Criteria: CeGaT Center For Human Genetics Tuebingen Variant Classification Criteria Version 2. Collection method: clinical testing. Allele origin: germline. Affected: yes. Observed: 1 variant allele.
Comment: KIF14: BP4, BP7

Blueprint Genetics
Classification: Likely benign. Last evaluated: 2024-10-09. Review status: criteria provided, single submitter. Criteria: ACMG Guidelines, 2015. Collection method: clinical testing. Allele origin: germline.